The following is an entry in ClinVar:

NM_000064.4(C3):c.2315T>C (p.Leu772Pro)

Gene: C3 (complement C3; minus strand). Cytogenetic location: 19p13.3.
Variant type: single nucleotide variant.
Coding change: c.2315T>C on transcript NM_000064.4 (MANE Select); coding-DNA position 2315, T replaced by C.
Protein change: p.Leu772Pro; replaces leucine 772 with proline.
Molecular consequence: missense variant.
Genome position (GRCh38, 1-based): chr19:6,702,510, A>G on the plus strand (T>C on the coding strand, the complement: C3 is on the minus strand). VCF-style: chr19-6702510-A-G. GRCh37 (hg19) VCF-style: chr19-6702521-A-G.
Other names: short protein forms L772P.
Identifiers: ClinVar variation 3584133 (VCV003584133.3).

ClinVar aggregate classification (germline): Uncertain significance. Review status: criteria provided, multiple submitters, no conflicts (2 of 4 stars). 2 submissions from 2 submitters: Uncertain significance (2). Last evaluated 2024-12-26.

Conditions:
Atypical hemolytic-uremic syndrome with C3 anomaly. Also called: AHUS, SUSCEPTIBILITY TO, 5. Identifiers: Orphanet 2134, MedGen C2752037, MONDO:0013043, OMIM 612925.
Age related macular degeneration 9. Identifiers: MedGen C1969651, MONDO:0012659, OMIM 611378.
Complement component 3 deficiency. Identifiers: Orphanet 280133, MedGen C3151071, MONDO:0013417, OMIM 613779.

gnomAD v4.1: 2 of 1,614,168 alleles (0.00012%); highest among the groups gnomAD compares: Non-Finnish European, 0.00017%; no homozygotes.

Submissions (2):

Labcorp Genetics (formerly Invitae), Labcorp
Classification: Uncertain significance. Last evaluated: 2024-12-26. Review status: criteria provided, single submitter. Criteria: Invitae Variant Classification Sherloc (09022015). Collection method: clinical testing. Allele origin: germline.
Comment: This sequence change replaces leucine, which is neutral and non-polar, with proline, which is neutral and non-polar, at codon 772 of the C3 protein (p.Leu772Pro). This variant is not present in population databases (gnomAD no frequency). This variant has not been reported in the literature in individuals affected with C3-related conditions. Invitae Evidence Modeling of protein sequence and biophysical properties (such as structural, functional, and spatial information, amino acid conservation, physicochemical variation, residue mobility, and thermodynamic stability) indicates that this missense variant is expected to disrupt C3 protein function with a positive predictive value of 80%. In summary, the available evidence is currently insufficient to determine the role of this variant in disease. Therefore, it has been classified as a Variant of Uncertain Significance.

Fulgent Genetics
Classification: Uncertain significance for Age related macular degeneration 9; Atypical hemolytic-uremic syndrome with C3 anomaly; Complement component 3 deficiency. Last evaluated: 2024-04-12. Review status: criteria provided, single submitter. Criteria: ACMG Guidelines, 2015. Collection method: clinical testing. Allele origin: germline.